The following is an entry in ClinVar:

NM_024422.6(DSC2):c.1524T>A (p.Tyr508Ter)

Gene: DSC2 (desmocollin 2; minus strand). Cytogenetic location: 18q12.1.
Variant type: single nucleotide variant.
Coding change: c.1524T>A on transcript NM_024422.6 (MANE Select); coding-DNA position 1524, T replaced by A.
Protein change: p.Tyr508Ter; replaces tyrosine 508 with a stop codon.
Molecular consequence: nonsense.
Genome position (GRCh38, 1-based): chr18:31,079,986, A>T on the plus strand (T>A on the coding strand, the complement: DSC2 is on the minus strand). VCF-style: chr18-31079986-A-T. GRCh37 (hg19) VCF-style: chr18-28659952-A-T.
Other names: c.1095T>A, p.Tyr365Ter (NM_001406506.1, NM_001406507.1); c.1524T>A, p.Tyr508Ter (NM_004949.5); short protein forms Y365*, Y508*.
Identifiers: ClinVar variation 3070312 (VCV003070312.2), dbSNP rs1374917407, ClinGen allele CA402108296.

ClinVar aggregate classification (germline): Uncertain significance (1 of 4 stars; one submission).

Conditions:
Familial isolated arrhythmogenic right ventricular dysplasia. Identifiers: Orphanet 217656, MedGen C4274968, MONDO:0016342.

Submission:

All of Us Research Program, National Institutes of Health
Classification: Uncertain significance for Familial isolated arrhythmogenic right ventricular dysplasia. Last evaluated: 2024-06-09. Review status: criteria provided, single submitter. Criteria: ACMG Guidelines, 2015. Collection method: clinical testing. Allele origin: germline. Inheritance: Autosomal dominant inheritance. Observed: 2 variant alleles, 2 heterozygotes.
Comment: This variant changes 1 nucleotide in exon 11 of the DSC2 gene, creating a premature translation stop signal. This variant is expected to result in an absent or non-functional protein product. To our knowledge, this variant has not been reported in individuals affected with cardiovascular disorders in the literature. This variant has not been identified in the general population by the Genome Aggregation Database (gnomAD). Although there is a suspicion for a pathogenic role, the clinical relevance of loss-of-function DSC2 truncation and splice variants in autosomal dominant arrhythmogenic cardiomyopathy is not yet clearly established. The available evidence is insufficient to determine the role of this variant in disease conclusively. Therefore, this variant is classified as a Variant of Uncertain Significance.

This study involves interpretation of variants in research participants for the purpose of population health screening. Participant phenotype was not available at the time of variant classification. Additional details can be found in publication PMID: 35346344, PMCID: PMC8962531